The following is an entry in ClinVar:

NM_002878.4(RAD51D):c.787_791del (p.Ala263fs)

Genes: RAD51D (RAD51 paralog D; minus strand), RAD51L3-RFFL (RAD51L3-RFFL readthrough; minus strand). Cytogenetic location: 17q12.
Variant type: Deletion.
Coding change: c.787_791del on transcript NM_002878.4 (MANE Select); coding-DNA positions 787 to 791, 5 bases deleted (GCCCT; older notation c.787_791delGCCCT).
Protein change: p.Ala263fs; shifts the reading frame from alanine 263.
Molecular consequence: frameshift variant. On other transcripts: non-coding transcript variant (3).
Genome position (GRCh38, 1-based): chr17:35,101,313-35,101,317, AGGGC deleted on the plus strand (GCCCT on the coding strand, the reverse complement: RAD51D is on the minus strand); deleting any 5 consecutive bases within chr17:35,101,313-35,101,320 gives the same sequence; the c. name uses the placement nearest the transcript's 3' end. VCF-style (leftmost placement, unchanged base first): chr17-35101312-GAGGGC-G. GRCh37 (hg19) VCF-style: chr17-33428331-GAGGGC-G.
Other names: c.847_851del, p.Ala283fs (NM_001142571.2); c.451_455del, p.Ala151fs (NM_133629.3); short protein forms A151fs, A263fs, A283fs.
Identifiers: ClinVar variation 2673926 (VCV002673926.1), dbSNP rs2509125000, ClinGen allele CA2695201314.

ClinVar aggregate classification (germline): Likely pathogenic (1 of 4 stars; one submission).

Conditions:
Breast-ovarian cancer, familial, susceptibility to, 4. Identifiers: Orphanet 145, MedGen C3280345, MONDO:0013669, OMIM 614291.

Submission:

Myriad Genetics, Inc.
Classification: Likely pathogenic for Breast-ovarian cancer, familial, susceptibility to, 4. Last evaluated: 2023-11-30. Review status: criteria provided, single submitter. Criteria: Myriad Autosomal Dominant, Autosomal Recessive and X-Linked Classification Criteria (2023). Collection method: clinical testing. Allele origin: unknown.
Comment: This variant is considered likely pathogenic. This variant creates a frameshift predicted to result in premature protein truncation.